The following is an entry in ClinVar:

ClinVar aggregate classification (germline): Uncertain significance (1 of 4 stars; one submission).

Conditions:
Hereditary spastic paraplegia 33. Also called: SPASTIC PARAPLEGIA 33, AUTOSOMAL DOMINANT. Identifiers: MedGen C1853251, MONDO:0012448, OMIM 610244.

Submission:

MGZ Medical Genetics Center
Classification: Uncertain significance for Hereditary spastic paraplegia 33. Last evaluated: 2022-07-19. Review status: criteria provided, single submitter. Criteria: ACMG Guidelines, 2015. Collection method: clinical testing. Allele origin: germline. Affected: yes. Observed: 1 variant allele.
Comment: ACMG criteria applied: PM2_SUP, BP4

NM_001385875.1(ZFYVE27):c.1078C>G (p.Leu360Val)

Gene: ZFYVE27 (zinc finger FYVE-type containing 27; plus strand). Cytogenetic location: 10q24.2.
Variant type: single nucleotide variant.
Coding change: c.1078C>G on transcript NM_001385875.1 (MANE Select); coding-DNA position 1078, C replaced by G.
Protein change: p.Leu360Val; replaces leucine 360 with valine.
Molecular consequence: missense variant. On other transcripts: non-coding transcript variant (16).
Genome position (GRCh38, 1-based): chr10:97,757,300, C>G. VCF-style: chr10-97757300-C-G. GRCh37 (hg19) VCF-style: chr10-99517057-C-G.
Other names: c.1093C>G, p.Leu365Val (NM_001002261.4, NM_001385871.1); c.1057C>G, p.Leu353Val (NM_001002262.4, NM_001385880.1, NM_001385881.1 and 2 more transcripts); c.961C>G, p.Leu321Val (NM_001174119.2, NM_001385889.1); c.799C>G, p.Leu267Val (NM_001174120.2); c.778C>G, p.Leu260Val (NM_001174121.2, NM_001385915.1); c.703C>G, p.Leu235Val (NM_001174122.2); c.1111C>G, p.Leu371Val (NM_001385876.1); c.1075C>G, p.Leu359Val (NM_001385877.1); and 14 more; short protein forms L142V, L235V, L242V, L260V, L267V, L272V, L274V, L279V.
Identifiers: ClinVar variation 1709552 (VCV001709552.2), dbSNP rs2540911520, ClinGen allele CA377998327.